The following is an entry in ClinVar:

NM_003803.4(MYOM1):c.5020G>A (p.Ala1674Thr)

Gene: MYOM1 (myomesin 1; minus strand). Cytogenetic location: 18p11.31.
Variant type: single nucleotide variant.
Coding change: c.5020G>A on transcript NM_003803.4 (MANE Select); coding-DNA position 5020, G replaced by A.
Protein change: p.Ala1674Thr; replaces alanine 1674 with threonine.
Molecular consequence: missense variant.
Genome position (GRCh38, 1-based): chr18:3,067,300, C>T on the plus strand (G>A on the coding strand, the complement: MYOM1 is on the minus strand). VCF-style: chr18-3067300-C-T. GRCh37 (hg19) VCF-style: chr18-3067298-C-T.
Other names: c.4732G>A, p.Ala1578Thr (NM_019856.2); short protein forms A1578T, A1674T.
Identifiers: ClinVar variation 2447680 (VCV002447680.5), dbSNP rs761995377, ClinGen allele CA8873694.
Genomic context (GRCh38, chr18:3,067,300, plus strand): 5'-CTGGCTCTCCTCGCACCTCCGGTCACTTGGCCTTCTTGCCACCTTTCAGGGACTCCAAGG[C>T]GGCCATCCTCGCCTCCTCCTCTGGGATGAACACGCTGACGGTGAAGTCGCTGGTCTCCGA-3'
Protein context (NP_003794.3, residues 1664-1684): FIPEEEARMA[Ala1674Thr]LESLKGGKKA

ClinVar aggregate classification (germline): Uncertain significance. Review status: criteria provided, multiple submitters, no conflicts (2 of 4 stars). 2 submissions from 2 submitters: Uncertain significance (2). Last evaluated 2025-03-23.

Allele frequency attached by ClinVar (database versions not stated): ExAC 0.00001; gnomAD 0.00001; TOPMed 0.00001.
gnomAD v4.1: 15 of 1,609,710 alleles (0.00093%); highest among the groups gnomAD compares: African/African-American, 0.0027%; no homozygotes.

Submissions (2):

Ambry Genetics
Classification: Uncertain significance. Last evaluated: 2025-03-23. Review status: criteria provided, single submitter. Criteria: Ambry Variant Classification Scheme 2023. Collection method: clinical testing. Allele origin: germline.
Comment: The p.A1674T variant (also known as c.5020G>A), located in coding exon 37 of the MYOM1 gene, results from a G to A substitution at nucleotide position 5020. The alanine at codon 1674 is replaced by threonine, an amino acid with similar properties. This amino acid position is conserved. In addition, this alteration is predicted to be tolerated by in silico analysis. Since supporting evidence is limited at this time, the clinical significance of this alteration remains unclear.

Revvity Omics, Revvity
Classification: Uncertain significance. Last evaluated: 2023-06-01. Review status: criteria provided, single submitter. Criteria: ACMG Guidelines, 2015. Collection method: clinical testing. Allele origin: germline.